The following is an entry in ClinVar:

NM_001128164.2(ATXN1):c.630_632dup (p.Gln210_His211insGln)

Genes: ATXN1 (ataxin 1; minus strand), LOC108663993 (ataxin 1 repeat instability region; plus strand). Cytogenetic location: 6p22.3.
Variant type: Duplication.
Coding change: c.630_632dup on transcript NM_001128164.2 (MANE Select); coding-DNA positions 630 to 632, 3 bases duplicated (GCA; older notation c.630_632dupGCA).
Protein change: p.Gln210_His211insGln.
Molecular consequence: 3 prime UTR variant (on NM_001357857.2). On other transcripts: inframe indel (1).
Genome position (GRCh38, 1-based): chr6:16,327,679-16,327,681, TGC duplicated on the plus strand (GCA on the coding strand, the reverse complement: ATXN1 is on the minus strand); duplicating any 3 consecutive bases within chr6:16,327,679-16,327,683 gives the same sequence; the c. name uses the placement nearest the transcript's 3' end. VCF-style (leftmost placement, unchanged base first): chr6-16327678-A-ATGC. GRCh37 (hg19) VCF-style: chr6-16327909-A-ATGC.
Other names: c.630_632dup, p.Gln210_His211insGln (NM_000332.4); c.*43_*45dup (NM_001357857.2); c.630_632dupGCA (NM_000332.3).
Identifiers: ClinVar variation 3050836 (VCV003050836.2), dbSNP rs1554138052, ClinGen allele CA3645565.

ClinVar aggregate classification (germline): Benign (0 of 4 stars; one submission).

Conditions:
ATXN1-related disorder. Also called: ATXN1-related condition.

Submission:

PreventionGenetics, part of Exact Sciences
Classification: Benign for ATXN1-related condition. Last evaluated: 2019-11-08. Review status: no assertion criteria provided. Collection method: clinical testing. Allele origin: germline.
Comment: This variant is classified as benign based on ACMG/AMP sequence variant interpretation guidelines (Richards et al. 2015 PMID: 25741868, with internal and published modifications).